The following is an entry in ClinVar:

ClinVar aggregate classification (germline): Uncertain significance (1 of 4 stars; one submission).

Conditions:
Inborn genetic diseases. Identifiers: MedGen C0950123, MeSH D030342.

gnomAD v4.1: 2 of 1,558,664 alleles (0.00013%); highest among the groups gnomAD compares: Non-Finnish European, 0.00017%; no homozygotes.

Submission:

Ambry Genetics
Classification: Uncertain significance for Inborn genetic diseases. Last evaluated: 2025-05-11. Review status: criteria provided, single submitter. Criteria: Ambry Variant Classification Scheme 2023. Collection method: clinical testing. Allele origin: germline.
Comment: The p.H1122Q variant (also known as c.3366C>A), located in coding exon 34 of the FANCA gene, results from a C to A substitution at nucleotide position 3366. The histidine at codon 1122 is replaced by glutamine, an amino acid with highly similar properties. This amino acid position is conserved. In addition, this alteration is predicted to be tolerated by in silico analysis. Based on the available evidence, the clinical significance of this variant remains unclear.

NM_000135.4(FANCA):c.3366C>A (p.His1122Gln)

Gene: FANCA (FA complementation group A; minus strand). Cytogenetic location: 16q24.3.
Variant type: single nucleotide variant.
Coding change: c.3366C>A on transcript NM_000135.4 (MANE Select); coding-DNA position 3366, C replaced by A.
Protein change: p.His1122Gln; replaces histidine 1122 with glutamine.
Molecular consequence: missense variant.
Genome position (GRCh38, 1-based): chr16:89,746,873, G>T on the plus strand (C>A on the coding strand, the complement: FANCA is on the minus strand). VCF-style: chr16-89746873-G-T. GRCh37 (hg19) VCF-style: chr16-89813281-G-T.
Other names: c.3366C>A, p.His1122Gln (NM_001286167.3); short protein forms H1122Q.
Identifiers: ClinVar variation 4022264 (VCV004022264.1).